The following is an entry in ClinVar:

ClinVar aggregate classification (germline): Likely benign. Review status: criteria provided, multiple submitters, no conflicts (2 of 4 stars). 3 submissions from 3 submitters: Likely benign (2). 1 of the submissions does not count toward it. Last evaluated 2025-01-15.

Conditions:
FGFR3-related disorder. Also called: FGFR3-related disorders.

Allele frequency attached by ClinVar (database versions not stated): ESP Exome Variant Server 0.00008.
gnomAD v4.1: 214 of 1,611,740 alleles (0.013%); highest among the groups gnomAD compares: Middle Eastern, 0.016%; no homozygotes.

Submissions (3):

Labcorp Genetics (formerly Invitae), Labcorp
Classification: Likely benign. Last evaluated: 2025-01-15. Review status: criteria provided, single submitter. Criteria: Invitae Variant Classification Sherloc (09022015). Collection method: clinical testing. Allele origin: germline.

GeneDx
Classification: Likely benign. Last evaluated: 2021-03-10. Review status: criteria provided, single submitter. Criteria: GeneDx Variant Classification Process June 2021. Collection method: clinical testing. Allele origin: germline. Affected: yes.
Comment: This variant is associated with the following publications: (PMID: 12835230)

PreventionGenetics, part of Exact Sciences
Classification: Likely benign for FGFR3-related condition. Last evaluated: 2021-08-19. Review status: no assertion criteria provided. Collection method: clinical testing. Allele origin: germline. Not counted in ClinVar's aggregate classification.
Comment: This variant is classified as likely benign based on ACMG/AMP sequence variant interpretation guidelines (Richards et al. 2015 PMID: 25741868, with internal and published modifications).

NM_000142.5(FGFR3):c.921C>T (p.Thr307=)

Gene: FGFR3 (fibroblast growth factor receptor 3; plus strand). Cytogenetic location: 4p16.3.
Variant type: single nucleotide variant.
Coding change: c.921C>T on transcript NM_000142.5 (MANE Select); coding-DNA position 921, C replaced by T.
Protein change: p.Thr307=; no amino-acid change (threonine 307 retained).
Molecular consequence: synonymous variant. On other transcripts: non-coding transcript variant (1).
Genome position (GRCh38, 1-based): chr4:1,802,016, C>T. VCF-style: chr4-1802016-C-T. GRCh37 (hg19) VCF-style: chr4-1803743-C-T.
Other names: c.921C>T, p.Thr307= (NM_001163213.2, NM_001354809.2, NM_001354810.2 and 1 more transcripts).
Identifiers: ClinVar variation 1254762 (VCV001254762.12), dbSNP rs148518372, ClinGen allele CA2810015.